The following is an entry in ClinVar:

ClinVar aggregate classification (germline): Uncertain significance (1 of 4 stars; one submission).

Conditions:
Muscular dystrophy-dystroglycanopathy (congenital with brain and eye anomalies), type a, 11 (MDDGA11). Also called: Muscular dystrophy-dystroglycanopathy (congenital with brain and eye anomalies, type A, 11; Congenital muscular dystrophy-dystroglycanopathy with brain and eye anomalies, type A11; WALKER-WARBURG SYNDROME OR MUSCLE-EYE-BRAIN DISEASE, B3GALNT2-RELATED. Identifiers: Orphanet 588, Orphanet 899, MedGen C3554638, MONDO:0014071, OMIM 615181.

Allele frequency attached by ClinVar (database versions not stated): gnomAD exomes below 0.00001.

Submission:

Labcorp Genetics (formerly Invitae), Labcorp
Classification: Uncertain significance for Muscular dystrophy-dystroglycanopathy (congenital with brain and eye anomalies), type a, 11. Last evaluated: 2024-02-24. Review status: criteria provided, single submitter. Criteria: Invitae Variant Classification Sherloc (09022015). Collection method: clinical testing. Allele origin: germline.
Comment: This sequence change replaces cysteine, which is neutral and slightly polar, with tyrosine, which is neutral and polar, at codon 112 of the B3GALNT2 protein (p.Cys112Tyr). This variant is not present in population databases (gnomAD no frequency). This variant has not been reported in the literature in individuals affected with B3GALNT2-related conditions. ClinVar contains an entry for this variant (Variation ID: 2059007). Advanced modeling of protein sequence and biophysical properties (such as structural, functional, and spatial information, amino acid conservation, physicochemical variation, residue mobility, and thermodynamic stability) has been performed at Invitae for this missense variant, however the output from this modeling did not meet the statistical confidence thresholds required to predict the impact of this variant on B3GALNT2 protein function. In summary, the available evidence is currently insufficient to determine the role of this variant in disease. Therefore, it has been classified as a Variant of Uncertain Significance.

NM_152490.5(B3GALNT2):c.335G>A (p.Cys112Tyr)

Gene: B3GALNT2 (beta-1,3-N-acetylgalactosaminyltransferase 2; minus strand). Cytogenetic location: 1q42.3.
Variant type: single nucleotide variant.
Coding change: c.335G>A on transcript NM_152490.5 (MANE Select); coding-DNA position 335, G replaced by A.
Protein change: p.Cys112Tyr; replaces cysteine 112 with tyrosine.
Molecular consequence: missense variant.
Genome position (GRCh38, 1-based): chr1:235,489,194, C>T on the plus strand (G>A on the coding strand, the complement: B3GALNT2 is on the minus strand). VCF-style: chr1-235489194-C-T. GRCh37 (hg19) VCF-style: chr1-235652499-C-T.
Other names: c.458G>A, p.Cys153Tyr (NM_001277155.3); short protein forms C153Y, C112Y.
Identifiers: ClinVar variation 2059007 (VCV002059007.4), dbSNP rs2527341710, ClinGen allele CA344928300.